The following is an entry in ClinVar:

NM_000038.6(APC):c.1392T>A (p.His464Gln)

Gene: APC (APC regulator of Wnt signaling pathway; plus strand). Cytogenetic location: 5q22.2.
Variant type: single nucleotide variant.
Coding change: c.1392T>A on transcript NM_000038.6 (MANE Select); coding-DNA position 1392, T replaced by A.
Protein change: p.His464Gln; replaces histidine 464 with glutamine.
Molecular consequence: missense variant.
Genome position (GRCh38, 1-based): chr5:112,821,975, T>A. VCF-style: chr5-112821975-T-A. GRCh37 (hg19) VCF-style: chr5-112157672-T-A.
Other names: c.543T>A, p.His181Gln (NM_001354906.2); c.1392T>A, p.His464Gln (NM_001127510.3, NM_001354895.2, NM_001354896.2); c.1338T>A, p.His446Gln (NM_001127511.3); c.1422T>A, p.His474Gln (NM_001354897.2); c.1317T>A, p.His439Gln (NM_001354898.2); c.1308T>A, p.His436Gln (NM_001354899.2); c.1215T>A, p.His405Gln (NM_001354900.2, NM_001354901.2); c.1119T>A, p.His373Gln (NM_001354902.2); and 3 more; short protein forms H446Q, H464Q, H304Q, H436Q, H474Q, H181Q, H363Q, H373Q.
Identifiers: ClinVar variation 423573 (VCV000423573.17), dbSNP rs1057524073, ClinGen allele CA16024357.

ClinVar aggregate classification (germline): Uncertain significance. Review status: criteria provided, multiple submitters, no conflicts (2 of 4 stars). 5 submissions from 5 submitters: Uncertain significance (5). Last evaluated 2025-08-13.

Conditions:
Familial adenomatous polyposis 1 (FAP1). Also called: FAMILIAL ADENOMATOUS POLYPOSIS 1, ATTENUATED; POLYPOSIS, ADENOMATOUS INTESTINAL. Identifiers: MedGen C2713442, MONDO:0021056, OMIM 175100. Disease mechanism: loss of function.
Classic or attenuated familial adenomatous polyposis. Identifiers: MedGen CN372698, MONDO:0021057.
Hereditary cancer-predisposing syndrome. Also called: Hereditary neoplastic syndrome; Neoplastic Syndromes, Hereditary; Tumor predisposition; Hereditary Cancer Syndrome. Identifiers: Orphanet 140162, MedGen C0027672, MeSH D009386, MONDO:0015356.

gnomAD v4.1: 1 of 1,611,226 alleles (0.000062%); highest among the groups gnomAD compares: Non-Finnish European, 0.000085%; no homozygotes.

Submissions (5):

Labcorp Genetics (formerly Invitae), Labcorp
Classification: Uncertain significance for Familial adenomatous polyposis 1. Last evaluated: 2025-08-13. Review status: criteria provided, single submitter. Criteria: Invitae Variant Classification Sherloc (09022015). Collection method: clinical testing. Allele origin: germline.
Comment: This sequence change replaces histidine, which is basic and polar, with glutamine, which is neutral and polar, at codon 464 of the APC protein (p.His464Gln). This variant is not present in population databases (gnomAD no frequency). This variant has not been reported in the literature in individuals affected with APC-related conditions. ClinVar contains an entry for this variant (Variation ID: 423573). Invitae Evidence Modeling of protein sequence and biophysical properties (such as structural, functional, and spatial information, amino acid conservation, physicochemical variation, residue mobility, and thermodynamic stability) indicates that this missense variant is not expected to disrupt APC protein function with a negative predictive value of 95%. In summary, the available evidence is currently insufficient to determine the role of this variant in disease. Therefore, it has been classified as a Variant of Uncertain Significance.

Ambry Genetics
Classification: Uncertain significance for Hereditary cancer-predisposing syndrome. Last evaluated: 2025-04-10. Review status: criteria provided, single submitter. Criteria: Ambry Variant Classification Scheme 2023. Collection method: clinical testing. Allele origin: germline.
Comment: The p.H464Q variant (also known as c.1392T>A), located in coding exon 10 of the APC gene, results from a T to A substitution at nucleotide position 1392. The histidine at codon 464 is replaced by glutamine, an amino acid with highly similar properties. This amino acid position is highly conserved in available vertebrate species. In addition, in silico predictors for this gene do not accurately predict pathogenicity. Missense alterations in APC are not a common cause of disease (Spier I et al. Genet Med. 2024 Feb;26(2):100992). Based on the available evidence, the clinical significance of this variant remains unclear.

Color Diagnostics, LLC DBA Color Health
Classification: Uncertain significance for Hereditary cancer-predisposing syndrome. Last evaluated: 2024-01-29. Review status: criteria provided, single submitter. Criteria: ACMG Guidelines, 2015. Collection method: clinical testing. Allele origin: germline.
Comment: This missense variant replaces histidine with glutamine at codon 464 of the APC protein. Computational prediction suggests that this variant may not impact protein structure and function (internally defined REVEL score threshold <= 0.5, PMID: 27666373). To our knowledge, functional studies have not been reported for this variant. This variant has not been reported in individuals affected with APC-related disorders in the literature. This variant has not been identified in the general population by the Genome Aggregation Database (gnomAD). The available evidence is insufficient to determine the role of this variant in disease conclusively. Therefore, this variant is classified as a Variant of Uncertain Significance.

All of Us Research Program, National Institutes of Health
Classification: Uncertain significance for Classic or attenuated familial adenomatous polyposis. Last evaluated: 2023-12-01. Review status: criteria provided, single submitter. Criteria: ACMG Guidelines, 2015. Collection method: clinical testing. Allele origin: germline. Inheritance: Autosomal dominant inheritance. Observed: 1 variant allele, 1 heterozygote.
Comment: This study involves interpretation of variants in research participants for the purpose of population health screening. Participant phenotype was not available at the time of variant classification. Additional details can be found in publication PMID: 35346344, PMCID: PMC8962531

GeneDx
Classification: Uncertain significance. Last evaluated: 2017-02-09. Review status: criteria provided, single submitter. Criteria: GeneDx Variant Classification (06012015). Collection method: clinical testing. Allele origin: germline. Affected: yes.
Comment: This variant is denoted APC c.1392T>A at the cDNA level, p.His464Gln (H464Q) at the protein level, and results in the change of a Histidine to a Glutamine (CAT>CAA). This variant has not, to our knowledge, been published in the literature as pathogenic or benign. APC His464Gln was not observed in approximately 6,500 individuals of European and African American ancestry in the NHLBI Exome Sequencing Project, suggesting it is not a common benign variant in these populations. Since Histidine and Glutamine differ in some properties, this is considered a semi-conservative amino acid substitution. APC His464Gln occurs at a position that is conserved across species and is located within the Armadillo region (Azzopardi 2008). In silico analyses are inconsistent regarding the effect this variant may have on protein structure and function. Based on currently available evidence, it is unclear whether APC His464Gln is a pathogenic or benign variant. We consider it to be a variant of uncertain significance.